The following is an entry in ClinVar:

ClinVar aggregate classification (germline): Uncertain significance. Review status: criteria provided, multiple submitters, no conflicts (2 of 4 stars). 3 submissions from 3 submitters: Uncertain significance (3). Last evaluated 2025-10-14.

Conditions:
Hereditary cancer-predisposing syndrome. Also called: Hereditary Cancer Syndrome; Hereditary neoplastic syndrome; Neoplastic Syndromes, Hereditary; Tumor predisposition. Identifiers: Orphanet 140162, MedGen C0027672, MeSH D009386, MONDO:0015356.
Classic or attenuated familial adenomatous polyposis. Identifiers: MedGen CN372698, MONDO:0021057.
Familial adenomatous polyposis 1 (FAP1). Also called: FAMILIAL ADENOMATOUS POLYPOSIS 1, ATTENUATED; POLYPOSIS, ADENOMATOUS INTESTINAL. Identifiers: MedGen C2713442, MONDO:0021056, OMIM 175100. Disease mechanism: loss of function.

Submissions (3):

Labcorp Genetics (formerly Invitae), Labcorp
Classification: Uncertain significance for Familial adenomatous polyposis 1. Last evaluated: 2025-10-14. Review status: criteria provided, single submitter. Criteria: Invitae Variant Classification Sherloc (09022015). Collection method: clinical testing. Allele origin: germline.
Comment: This variant, c.5609_5614del, results in the deletion of 2 amino acid(s) of the APC protein (p.Asp1870_Asp1871del), but otherwise preserves the integrity of the reading frame. This variant is not present in population databases (gnomAD no frequency). This variant has not been reported in the literature in individuals affected with APC-related conditions. Experimental studies and prediction algorithms are not available or were not evaluated, and the functional significance of this variant is currently unknown. In summary, the available evidence is currently insufficient to determine the role of this variant in disease. Therefore, it has been classified as a Variant of Uncertain Significance.

Ambry Genetics
Classification: Uncertain significance for Hereditary cancer-predisposing syndrome. Last evaluated: 2024-09-13. Review status: criteria provided, single submitter. Criteria: Ambry Variant Classification Scheme 2023. Collection method: clinical testing. Allele origin: germline.
Comment: The c.5609_5614delATGATG variant (also known as p.D1870_D1871del) is located in coding exon 15 of the APC gene. This variant results from an in-frame ATGATG deletion at nucleotide positions 5609 to 5614. This results in the in-frame deletion of two aspartic acids at codons 1870 and 1871. This amino acid region is well conserved in available vertebrate species. In addition, this alteration is predicted to be neutral by in silico analysis (Choi Y et al. PLoS ONE. 2012; 7(10):e46688). Since supporting evidence is limited at this time, the clinical significance of this alteration remains unclear.

All of Us Research Program, National Institutes of Health
Classification: Uncertain significance for Classic or attenuated familial adenomatous polyposis. Last evaluated: 2023-02-10. Review status: criteria provided, single submitter. Criteria: ACMG Guidelines, 2015. Collection method: clinical testing. Allele origin: germline. Inheritance: Autosomal dominant inheritance. Observed: 1 variant allele, 1 heterozygote.
Comment: This study involves interpretation of variants in research participants for the purpose of population health screening. Participant phenotype was not available at the time of variant classification. Additional details can be found in publication PMID: 35346344, PMCID: PMC8962531

NM_000038.6(APC):c.5603ATG[2] (p.Asp1870_Asp1871del)

Gene: APC (APC regulator of Wnt signaling pathway; plus strand). Cytogenetic location: 5q22.2.
Variant type: Microsatellite.
Coding change: c.5603ATG[2] on transcript NM_000038.6 (MANE Select); two copies in a row of the 3-base unit ATG starting at c.5603; the reference has four copies in a row; two copies, 6 bases deleted.
Protein change: p.Asp1870_Asp1871del.
Molecular consequence: inframe deletion. On other transcripts: inframe indel (20).
Genome position (GRCh38, 1-based): chr5:112,841,203-112,841,208, ATGATG deleted; deleting any 6 consecutive bases within chr5:112,841,195-112,841,208 gives the same sequence; the position shown is the placement nearest the transcript's 3' end. VCF-style (leftmost placement, unchanged base first): chr5-112841194-TTGATGA-T. GRCh37 (hg19) VCF-style: chr5-112176891-TTGATGA-T.
Other names: c.5603ATG[2], p.Asp1870_Asp1871del (NM_001127510.3, NM_001354895.2); c.5549ATG[2], p.Asp1852_Asp1853del (NM_001127511.3); c.5657ATG[2], p.Asp1888_Asp1889del (NM_001354896.2); c.5633ATG[2], p.Asp1880_Asp1881del (NM_001354897.2); c.5528ATG[2], p.Asp1845_Asp1846del (NM_001354898.2); c.5519ATG[2], p.Asp1842_Asp1843del (NM_001354899.2); c.5480ATG[2], p.Asp1829_Asp1830del (NM_001354900.2); c.5426ATG[2], p.Asp1811_Asp1812del (NM_001354901.2); and 16 more.
Identifiers: ClinVar variation 1748609 (VCV001748609.5), dbSNP rs779014936, ClinGen allele CA1573477357.